The following is an entry in ClinVar:

ClinVar aggregate classification (germline): Pathogenic/Likely pathogenic. Review status: criteria provided, multiple submitters, no conflicts (2 of 4 stars). 3 submissions from 3 submitters: Pathogenic (2); Likely pathogenic (1). Last evaluated 2020-02-24.

Conditions:
Rhabdomyosarcoma, embryonal, 2 (RMSE2). Identifiers: MedGen C1867234, MONDO:0859046, OMIM 180295.
Pleuropulmonary blastoma (PPB). Identifiers: Orphanet 64742, MedGen C1266144, MONDO:0011014, OMIM 601200, HP:0100528.
Euthyroid goiter (MNG1). Also called: Goiter, multinodular 1, with or without Sertoli-Leydig cell tumors; SIMPLE GOITER; GOITER, NONTOXIC, WITH INTRATHYROIDAL CALCIFICATION; MULTINODULAR GOITER, ADOLESCENT. Identifiers: Orphanet 276399, MedGen C0302859, MONDO:0007681, OMIM 138800, HP:0009798.
Global developmental delay - lung cysts - overgrowth - Wilms tumor syndrome. Also called: GLOBAL DEVELOPMENTAL DELAY, LUNG CYSTS, OVERGROWTH, AND WILMS TUMOR; GLOW Syndrome. Identifiers: Orphanet 404476, MedGen C4748924, MONDO:0018445, OMIM 618272.
DICER1-related tumor predisposition. Also called: DICER1 syndrome; DICER1-related pleuropulmonary blastoma cancer predisposition syndrome. Identifiers: Orphanet 284343, MedGen C3839822, MONDO:0100216.

Submissions (3):

Labcorp Genetics (formerly Invitae), Labcorp
Classification: Likely pathogenic for DICER1-related tumor predisposition. Last evaluated: 2020-02-24. Review status: criteria provided, single submitter. Criteria: Invitae Variant Classification Sherloc (09022015). Collection method: clinical testing. Allele origin: germline.
Comment: In summary, the currently available evidence indicates that the variant is pathogenic, but additional data are needed to prove that conclusively. Therefore, this variant has been classified as Likely Pathogenic. Donor and acceptor splice site variants typically lead to a loss of protein function (PMID: 16199547), and loss-of-function variants in DICER1 are known to be pathogenic (PMID: 19556464, 21266384). Algorithms developed to predict the effect of sequence changes on RNA splicing suggest that this variant may disrupt the consensus splice site, but this prediction has not been confirmed by published transcriptional studies. This variant has been observed in individual(s) with clinical features of DICER1-related pleuropulmonary blastoma familial tumor predisposition syndrome (PMID: 30014022). ClinVar contains an entry for this variant (Variation ID: 574777). This variant is not present in population databases (ExAC no frequency). This sequence change affects an acceptor splice site in intron 7 of the DICER1 gene. It is expected to disrupt RNA splicing and likely results in an absent or disrupted protein product.

Foulkes Cancer Genetics LDI, Lady Davis Institute for Medical Research
Classification: Pathogenic for Pleuropulmonary blastoma. Last evaluated: 2019-07-01. Review status: criteria provided, single submitter. Criteria: ACMG Guidelines, 2015. Collection method: curation. Allele origin: germline. Affected: yes. Observed: 1 variant allele.
Comment: ACMG criteria met: PVS1, PM2, PP4

Juno Genomics, Hangzhou Juno Genomics, Inc
Classification: Pathogenic for Global developmental delay - lung cysts - overgrowth - Wilms tumor syndrome; Euthyroid goiter; Pleuropulmonary blastoma; Rhabdomyosarcoma, embryonal, 2. Review status: criteria provided, single submitter. Criteria: ACMG Guidelines, 2015. Collection method: clinical testing. Allele origin: germline. Affected: yes.
Comment: Absent from controls (or at extremely low frequency if recessive) in Genome Aggregation Database, Exome Sequencing Project, 1000 Genomes Project, or Exome Aggregation Consortium.;Null variant in a gene where loss of function (LOF) is a known mechanism of disease.;Patient's phenotype or family history is highly specific for a disease with a single genetic etiology.

Literature cited by the submitters: PubMed 16199547 (cited by Labcorp Genetics (formerly Invitae), Labcorp); PubMed 19556464 (cited by Labcorp Genetics (formerly Invitae), Labcorp); PubMed 21266384 (cited by Labcorp Genetics (formerly Invitae), Labcorp); PubMed 30014022 (cited by Labcorp Genetics (formerly Invitae), Labcorp and Foulkes Cancer Genetics LDI, Lady Davis Institute for Medical Research).

NM_177438.3(DICER1):c.904-1G>C

Gene: DICER1 (dicer 1, ribonuclease III; minus strand). Cytogenetic location: 14q32.13.
Variant type: single nucleotide variant.
Coding change: c.904-1G>C on transcript NM_177438.3 (MANE Select); the canonical splice acceptor site of the intron before coding-DNA position 904, G replaced by C.
Molecular consequence: splice acceptor variant.
Genome position (GRCh38, 1-based): chr14:95,124,669, C>G on the plus strand (G>C on the coding strand, the complement: DICER1 is on the minus strand). VCF-style: chr14-95124669-C-G. GRCh37 (hg19) VCF-style: chr14-95591006-C-G.
Other names: NC_000014.9:g.95124669C>G; c.904-1G>C (NM_001291628.2, NM_030621.4, NM_001395677.1 and 14 more transcripts); c.499-1G>C (NM_001395690.1, NM_001395687.1, NM_001395689.1 and 3 more transcripts); c.622-1G>C (NM_001395686.1); c.337-1G>C (NM_001395691.1); c.-665-1G>C (NM_001395697.1).
Identifiers: ClinVar variation 574777 (VCV000574777.14), dbSNP rs1566803555, ClinGen allele CA390887405.